The following is an entry in ClinVar:

ClinVar aggregate classification (germline): Likely benign. Review status: criteria provided, multiple submitters, no conflicts (2 of 4 stars). 3 submissions from 3 submitters: Likely benign (3). Last evaluated 2026-05-28.

Conditions:
Charcot-Marie-Tooth disease type 2. Also called: Charcot-Marie-Tooth type 2. Identifiers: Orphanet 64746, MedGen C0270914, MONDO:0018993.

Allele frequency attached by ClinVar (database versions not stated): gnomAD 0.00013; TOPMed 0.00018; gnomAD exomes 0.00021; ExAC 0.00024; 1000 Genomes Project 30x 0.00016; ESP Exome Variant Server 0.00015; 1000 Genomes Project 0.00020.
gnomAD v4.1: 270 of 1,548,210 alleles (0.017%); highest among the groups gnomAD compares: East Asian, 0.056%; no homozygotes.

Submissions (3):

Women's Health and Genetics/Laboratory Corporation of America, LabCorp
Classification: Likely benign. Last evaluated: 2026-05-28. Review status: criteria provided, single submitter. Criteria: LabCorp Variant Classification Summary - May 2015. Collection method: clinical testing. Allele origin: germline.
Comment: Variant summary: AARS1 c.2287-16C>T alters a nucleotide located at a position not widely known to affect splicing. Consensus agreement among computation tools predict no significant impact on normal splicing. However, these predictions have yet to be confirmed by functional studies. The variant allele was found at a frequency of 0.00017 in 1548210 control chromosomes, predominantly at a frequency of 0.00056 within the East Asian subpopulation in the gnomAD database. This frequency is not significantly higher than estimated for disease-causing variants in AARS1, allowing no conclusion about variant significance. To our knowledge, no occurrence of c.2287-16C>T in individuals affected with AARS1-related conditions and no experimental evidence demonstrating its impact on protein function have been reported. ClinVar contains an entry for this variant (Variation ID: 515376). Based on the evidence outlined above, the variant was classified as likely benign.

Labcorp Genetics (formerly Invitae), Labcorp
Classification: Likely benign for Charcot-Marie-Tooth disease type 2. Last evaluated: 2025-11-25. Review status: criteria provided, single submitter. Criteria: Invitae Variant Classification Sherloc (09022015). Collection method: clinical testing. Allele origin: germline.

GeneDx
Classification: Likely benign. Last evaluated: 2018-02-06. Review status: criteria provided, single submitter. Criteria: GeneDx Variant Classification (06012015). Collection method: clinical testing. Allele origin: germline. Affected: yes.
Comment: This variant is considered likely benign or benign based on one or more of the following criteria: it is a conservative change, it occurs at a poorly conserved position in the protein, it is predicted to be benign by multiple in silico algorithms, and/or has population frequency not consistent with disease.

NM_001605.3(AARS1):c.2287-16C>T

Gene: AARS1 (alanyl-tRNA synthetase 1; minus strand). Cytogenetic location: 16q22.1.
Variant type: single nucleotide variant.
Coding change: c.2287-16C>T on transcript NM_001605.3 (MANE Select); 16 bases into the intron before coding-DNA position 2287, C replaced by T.
Molecular consequence: intron variant.
Genome position (GRCh38, 1-based): chr16:70,254,750, G>A on the plus strand (C>T on the coding strand, the complement: AARS1 is on the minus strand). VCF-style: chr16-70254750-G-A. GRCh37 (hg19) VCF-style: chr16-70288653-G-A.
Identifiers: ClinVar variation 515376 (VCV000515376.10), dbSNP rs375747367, ClinGen allele CA8140476.